The following is an entry in ClinVar:

ClinVar aggregate classification (germline): Pathogenic (1 of 4 stars; one submission).

Conditions:
Glycogen storage disease IXd (GSD9D). Also called: Muscle Phosphorylase Kinase Deficiency; GSD IXd. Identifiers: Orphanet 715, MedGen C1845151, MONDO:0010362, OMIM 300559.

Submission:

Labcorp Genetics (formerly Invitae), Labcorp
Classification: Pathogenic for Glycogen storage disease IXd. Last evaluated: 2023-10-15. Review status: criteria provided, single submitter. Criteria: Invitae Variant Classification Sherloc (09022015). Collection method: clinical testing. Allele origin: germline.
Comment: This sequence change creates a premature translational stop signal (p.Tyr511Leufs*2) in the PHKA1 gene. It is expected to result in an absent or disrupted protein product. Loss-of-function variants in PHKA1 are known to be pathogenic (PMID: 9731190, 15637709). This variant is not present in population databases (gnomAD no frequency). This variant has not been reported in the literature in individuals affected with PHKA1-related conditions. For these reasons, this variant has been classified as Pathogenic.

Literature cited by the submitters: PubMed 9731190; PubMed 15637709.

NM_002637.4(PHKA1):c.1531dup (p.Tyr511fs)

Gene: PHKA1 (phosphorylase kinase regulatory subunit alpha 1; minus strand). Cytogenetic location: Xq13.1.
Variant type: Duplication.
Coding change: c.1531dup on transcript NM_002637.4 (MANE Select); coding-DNA position 1531, one base duplicated (T; older notation c.1531dupT).
Protein change: p.Tyr511fs; shifts the reading frame from tyrosine 511.
Molecular consequence: frameshift variant.
Genome position (GRCh38, 1-based): chrX:72,636,315, A duplicated on the plus strand (T on the coding strand, the reverse complement: PHKA1 is on the minus strand). VCF-style (leftmost placement, unchanged base first): chrX-72636314-T-TA. GRCh37 (hg19) VCF-style: chrX-71856164-T-TA.
Other names: c.1531dup, p.Tyr511fs (NM_001122670.2, NM_001172436.2); short protein forms Y511fs.
Identifiers: ClinVar variation 2877713 (VCV002877713.3), dbSNP rs2522552894, ClinGen allele CA2739273626.
Genomic context (GRCh38, chrX:72,636,314, plus strand): 5'-ACATTCCAGTTTATTTCACCCACCTGTGGAGTGAAAGTAAAGATAGTTTTCCGAATGTCA[T>TA]AGAGTTTTGAAGTTCCAAGCACTCCCATGTGTCTGTAGGGTCGTCCACTGAGTTTCATTC-3'